The following is an entry in ClinVar:

ClinVar aggregate classification (germline): Uncertain significance (1 of 4 stars; one submission).

gnomAD v4.1: 1 of 1,613,266 alleles (0.000062%); highest among the groups gnomAD compares: African/African-American, 0.0013%; no homozygotes.

Submission:

Women's Health and Genetics/Laboratory Corporation of America, LabCorp
Classification: Uncertain significance. Last evaluated: 2026-03-31. Review status: criteria provided, single submitter. Criteria: LabCorp Variant Classification Summary - May 2015. Collection method: clinical testing. Allele origin: germline.
Comment: Variant summary: GALNS c.373C>G (p.Pro125Ala) results in a non-conservative amino acid change in the encoded protein sequence. Algorithms developed to predict the effect of missense changes on protein structure and function all suggest that this variant is likely to be disruptive. The variant allele was found at a frequency of 4e-06 in 250912 control chromosomes. The available data on variant occurrences in the general population are insufficient to allow any conclusion about variant significance. To our knowledge, no occurrence of c.373C>G in individuals affected with GALNS-related conditions and no experimental evidence demonstrating its impact on protein function have been reported. No submitters have cited clinical-significance assessments for this variant to ClinVar. Based on the evidence outlined above, the variant was classified as uncertain significance.

NM_000512.5(GALNS):c.373C>G (p.Pro125Ala)

Gene: GALNS (galactosamine (N-acetyl)-6-sulfatase; minus strand). Cytogenetic location: 16q24.3.
Variant type: single nucleotide variant.
Coding change: c.373C>G on transcript NM_000512.5 (MANE Select); coding-DNA position 373, C replaced by G.
Protein change: p.Pro125Ala; replaces proline 125 with alanine.
Molecular consequence: missense variant. On other transcripts: 5 prime UTR variant (1).
Genome position (GRCh38, 1-based): chr16:88,841,041, G>C on the plus strand (C>G on the coding strand, the complement: GALNS is on the minus strand). VCF-style: chr16-88841041-G-C. GRCh37 (hg19) VCF-style: chr16-88907449-G-C.
Other names: c.-183C>G (NM_001323543.2); c.391C>G, p.Pro131Ala (NM_001323544.2); short protein forms P125A, P131A.
Identifiers: ClinVar variation 4847195 (VCV004847195.1).